The following is an entry in ClinVar:

NM_001134407.3(GRIN2A):c.428C>T (p.Thr143Ile)

Gene: GRIN2A (glutamate ionotropic receptor NMDA type subunit 2A; minus strand). Cytogenetic location: 16p13.2.
Variant type: single nucleotide variant.
Coding change: c.428C>T on transcript NM_001134407.3 (MANE Select); coding-DNA position 428, C replaced by T.
Protein change: p.Thr143Ile; replaces threonine 143 with isoleucine.
Molecular consequence: missense variant.
Genome position (GRCh38, 1-based): chr16:9,938,538, G>A on the plus strand (C>T on the coding strand, the complement: GRIN2A is on the minus strand). VCF-style: chr16-9938538-G-A. GRCh37 (hg19) VCF-style: chr16-10032395-G-A.
Other names: c.428C>T, p.Thr143Ile (NM_000833.5, NM_001134408.2); short protein forms T143I.
Identifiers: ClinVar variation 3663917 (VCV003663917.2).

ClinVar aggregate classification (germline): Uncertain significance (1 of 4 stars; one submission).

Conditions:
Landau-Kleffner syndrome (FESD). Also called: EPILEPSY, FOCAL, WITH SPEECH DISORDER AND WITH OR WITHOUT MENTAL RETARDATION; APHASIA, ACQUIRED, WITH EPILEPSY. Identifiers: Orphanet 1945, Orphanet 725, Orphanet 98818, MedGen C0282512, MONDO:0009509, OMIM 245570.

gnomAD v4.1: 1 of 1,604,738 alleles (0.000062%); highest among the groups gnomAD compares: Non-Finnish European, 0.000085%; no homozygotes.

Submission:

Labcorp Genetics (formerly Invitae), Labcorp
Classification: Uncertain significance for Landau-Kleffner syndrome. Last evaluated: 2024-05-29. Review status: criteria provided, single submitter. Criteria: Invitae Variant Classification Sherloc (09022015). Collection method: clinical testing. Allele origin: germline.
Comment: This sequence change replaces threonine, which is neutral and polar, with isoleucine, which is neutral and non-polar, at codon 143 of the GRIN2A protein (p.Thr143Ile). This variant is not present in population databases (gnomAD no frequency). This variant has not been reported in the literature in individuals affected with GRIN2A-related conditions. Advanced modeling of protein sequence and biophysical properties (such as structural, functional, and spatial information, amino acid conservation, physicochemical variation, residue mobility, and thermodynamic stability) has been performed at Invitae for this missense variant, however the output from this modeling did not meet the statistical confidence thresholds required to predict the impact of this variant on GRIN2A protein function. In summary, the available evidence is currently insufficient to determine the role of this variant in disease. Therefore, it has been classified as a Variant of Uncertain Significance.